The following is an entry in ClinVar:

ClinVar aggregate classification (germline): Uncertain significance (1 of 4 stars; one submission).

Conditions:
Charcot-Marie-Tooth disease axonal type 2O. Also called: CHARCOT-MARIE-TOOTH NEUROPATHY, AXONAL, TYPE 2O; CHARCOT-MARIE-TOOTH DISEASE, AXONAL, AUTOSOMAL DOMINANT, TYPE 2O; Charcot-Marie-Tooth Neuropathy Type 2O; Charcot-Marie-Tooth disease, axonal, type 20. Identifiers: Orphanet 284232, MedGen C3280220, MONDO:0013644, OMIM 614228.

Submission:

Labcorp Genetics (formerly Invitae), Labcorp
Classification: Uncertain significance for Charcot-Marie-Tooth disease axonal type 2O. Last evaluated: 2025-12-21. Review status: criteria provided, single submitter. Criteria: Invitae Variant Classification Sherloc (09022015). Collection method: clinical testing. Allele origin: germline.
Comment: This sequence change replaces glutamic acid, which is acidic and polar, with glutamine, which is neutral and polar, at codon 617 of the DYNC1H1 protein (p.Glu617Gln). This variant is not present in population databases (gnomAD no frequency). This variant has not been reported in the literature in individuals affected with DYNC1H1-related conditions. Invitae Evidence Modeling of protein sequence and biophysical properties (such as structural, functional, and spatial information, amino acid conservation, physicochemical variation, residue mobility, and thermodynamic stability) has been performed for this missense variant. However, the output from this modeling did not meet the statistical confidence thresholds required to predict the impact of this variant on DYNC1H1 protein function. In summary, the available evidence is currently insufficient to determine the role of this variant in disease. Therefore, it has been classified as a Variant of Uncertain Significance.

NM_001376.5(DYNC1H1):c.1849G>C (p.Glu617Gln)

Gene: DYNC1H1 (dynein cytoplasmic 1 heavy chain 1; plus strand). Cytogenetic location: 14q32.31.
Variant type: single nucleotide variant.
Coding change: c.1849G>C on transcript NM_001376.5 (MANE Select); coding-DNA position 1849, G replaced by C.
Protein change: p.Glu617Gln; replaces glutamic acid 617 with glutamine.
Molecular consequence: missense variant.
Genome position (GRCh38, 1-based): chr14:101,986,074, G>C. VCF-style: chr14-101986074-G-C. GRCh37 (hg19) VCF-style: chr14-102452411-G-C.
Other names: short protein forms E617Q.
Identifiers: ClinVar variation 4802035 (VCV004802035.1).
Genomic context (GRCh38, chr14:101,986,074, plus strand): 5'-ATCCGTGGGGCCATTCGCGAATACCAGACCCAGCTGATCCAGCGCGTGAAAGATGACATT[G>C]AGTCTCTTCACGACAAGTTCAAGGTCCAGTACCCACAGAGTCAGGCTTGTAAGATGAGTC-3'
Protein context (NP_001367.2, residues 607-627): QLIQRVKDDI[Glu617Gln]SLHDKFKVQY